The following is an entry in ClinVar:

NM_032043.3(BRIP1):c.514A>G (p.Lys172Glu)

Gene: BRIP1 (BRCA1 interacting DNA helicase 1; minus strand). Cytogenetic location: 17q23.2.
Variant type: single nucleotide variant.
Coding change: c.514A>G on transcript NM_032043.3 (MANE Select); coding-DNA position 514, A replaced by G.
Protein change: p.Lys172Glu; replaces lysine 172 with glutamic acid.
Molecular consequence: missense variant.
Genome position (GRCh38, 1-based): chr17:61,847,214, T>C on the plus strand (A>G on the coding strand, the complement: BRIP1 is on the minus strand). VCF-style: chr17-61847214-T-C. GRCh37 (hg19) VCF-style: chr17-59924575-T-C.
Other names: short protein forms K172E.
Identifiers: ClinVar variation 407846 (VCV000407846.17), dbSNP rs1060501765, ClinGen allele CA16615543.

ClinVar aggregate classification (germline): Uncertain significance. Review status: criteria provided, multiple submitters, no conflicts (2 of 4 stars). 2 submissions from 2 submitters: Uncertain significance (2). Last evaluated 2023-12-05.

Conditions:
Hereditary cancer-predisposing syndrome. Also called: Hereditary neoplastic syndrome; Neoplastic Syndromes, Hereditary; Tumor predisposition; Hereditary Cancer Syndrome. Identifiers: Orphanet 140162, MedGen C0027672, MeSH D009386, MONDO:0015356.
Familial cancer of breast. Also called: Hereditary breast cancer; hereditary breast carcinoma; BREAST CANCER, FAMILIAL. Identifiers: Orphanet 227535, MedGen C0346153, MONDO:0016419, OMIM 114480. Disease mechanism: loss of function.
Fanconi anemia complementation group J. Also called: BRIP1-Related Fanconi Anemia. Identifiers: Orphanet 84, MedGen C1836860, MONDO:0012187, OMIM 609054.

Submissions (2):

Color Diagnostics, LLC DBA Color Health
Classification: Uncertain significance for Hereditary cancer-predisposing syndrome. Last evaluated: 2023-12-05. Review status: criteria provided, single submitter. Criteria: ACMG Guidelines, 2015. Collection method: clinical testing. Allele origin: germline.
Comment: This missense variant replaces lysine with glutamic acid at codon 172 of the BRIP1 protein. Computational prediction suggests that this variant may not impact protein structure and function (internally defined REVEL score threshold <= 0.5, PMID: 27666373). To our knowledge, functional studies have not been reported for this variant. This variant has not been reported in individuals affected with BRIP1-related disorders in the literature. This variant has not been identified in the general population by the Genome Aggregation Database (gnomAD). The available evidence is insufficient to determine the role of this variant in disease conclusively. Therefore, this variant is classified as a Variant of Uncertain Significance.

Labcorp Genetics (formerly Invitae), Labcorp
Classification: Uncertain significance for Familial cancer of breast; Fanconi anemia complementation group J. Last evaluated: 2023-02-07. Review status: criteria provided, single submitter. Criteria: Invitae Variant Classification Sherloc (09022015). Collection method: clinical testing. Allele origin: germline.
Comment: Advanced modeling of protein sequence and biophysical properties (such as structural, functional, and spatial information, amino acid conservation, physicochemical variation, residue mobility, and thermodynamic stability) performed at Invitae indicates that this missense variant is expected to disrupt BRIP1 protein function. In summary, the available evidence is currently insufficient to determine the role of this variant in disease. Therefore, it has been classified as a Variant of Uncertain Significance. ClinVar contains an entry for this variant (Variation ID: 407846). This sequence change replaces lysine, which is basic and polar, with glutamic acid, which is acidic and polar, at codon 172 of the BRIP1 protein (p.Lys172Glu). This variant is not present in population databases (gnomAD no frequency). This variant has not been reported in the literature in individuals affected with BRIP1-related conditions.